The following is an entry in ClinVar:

ClinVar aggregate classification (germline): Uncertain significance (1 of 4 stars; one submission).

Conditions:
Duchenne muscular dystrophy (DMD). Also called: Duchenne Muscular Dystrophy (DMD); MUSCULAR DYSTROPHY, PSEUDOHYPERTROPHIC PROGRESSIVE, DUCHENNE TYPE. Identifiers: Orphanet 98896, MedGen C0013264, MONDO:0010679, OMIM 310200.

Submission:

Labcorp Genetics (formerly Invitae), Labcorp
Classification: Uncertain significance for Duchenne muscular dystrophy. Last evaluated: 2022-07-06. Review status: criteria provided, single submitter. Criteria: Invitae Variant Classification Sherloc (09022015). Collection method: clinical testing. Allele origin: germline.
Comment: In summary, the available evidence is currently insufficient to determine the role of this variant in disease. Therefore, it has been classified as a Variant of Uncertain Significance. Experimental studies and prediction algorithms are not available or were not evaluated, and the functional significance of this variant is currently unknown. A similar copy number variant has been observed in individual(s) with Becker muscular dystrophy (PMID: 25007885). This variant results in a copy number gain of the genomic region encompassing exon(s) 50-57 of the DMD gene. While the exact position of this variant cannot be determined from the data, sub-genic copy number gains are generally in tandem (PMID: 25640679). This variant is predicted to be in-frame, and likely preserves the integrity of the reading frame.

Literature cited by the submitters: PubMed 25007885; PubMed 25640679.

NC_000023.10:g.(?_31514885)_(31838220_?)dup

Gene: DMD (dystrophin; minus strand). Cytogenetic location: Xp21.1.
Variant type: Duplication.
Identifiers: ClinVar variation 2424980 (VCV002424980.2).